The following is an entry in ClinVar:

ClinVar aggregate classification (germline): Uncertain significance (1 of 4 stars; one submission).

gnomAD v4.1: 3 of 1,607,230 alleles (0.00019%); highest among the groups gnomAD compares: Non-Finnish European, 0.00026%; no homozygotes.

Submission:

Labcorp Genetics (formerly Invitae), Labcorp
Classification: Uncertain significance. Last evaluated: 2025-09-30. Review status: criteria provided, single submitter. Criteria: Invitae Variant Classification Sherloc (09022015). Collection method: clinical testing. Allele origin: germline.
Comment: This sequence change replaces serine, which is neutral and polar, with glycine, which is neutral and non-polar, at codon 249 of the PSMG2 protein (p.Ser249Gly). This variant is present in population databases (rs760129488, gnomAD 0.0009%). This variant has not been reported in the literature in individuals affected with PSMG2-related conditions. An algorithm developed to predict the effect of missense changes on protein structure and function (PolyPhen-2) suggests that this variant is likely to be tolerated. In summary, the available evidence is currently insufficient to determine the role of this variant in disease. Therefore, it has been classified as a Variant of Uncertain Significance.

NM_020232.5(PSMG2):c.745A>G (p.Ser249Gly)

Gene: PSMG2 (proteasome assembly chaperone 2; plus strand). Cytogenetic location: 18p11.21.
Variant type: single nucleotide variant.
Coding change: c.745A>G on transcript NM_020232.5 (MANE Select); coding-DNA position 745, A replaced by G.
Protein change: p.Ser249Gly; replaces serine 249 with glycine.
Molecular consequence: missense variant.
Genome position (GRCh38, 1-based): chr18:12,725,481, A>G. VCF-style: chr18-12725481-A-G. GRCh37 (hg19) VCF-style: chr18-12725480-A-G.
Other names: c.652A>G, p.Ser218Gly (NM_147163.2); short protein forms S218G, S249G.
Identifiers: ClinVar variation 4807299 (VCV004807299.1).